The following is an entry in ClinVar:

ClinVar aggregate classification (germline): Uncertain significance (1 of 4 stars; one submission).

Conditions:
Genitopatellar syndrome (GTPTS). Also called: Genitopatellar syndrome (GPS); ABSENT PATELLAE, SCROTAL HYPOPLASIA, RENAL ANOMALIES, FACIAL DYSMORPHISM, AND MENTAL RETARDATION. Identifiers: Orphanet 85201, MedGen C1853566, MONDO:0011640, OMIM 606170.

Allele frequency attached by ClinVar (database versions not stated): TOPMed below 0.00001; ExAC 0.00001; gnomAD exomes below 0.00001.
gnomAD v4.1: 1 of 1,614,160 alleles (0.000062%); highest among the groups gnomAD compares: Non-Finnish European, 0.000085%; no homozygotes.

Submission:

Labcorp Genetics (formerly Invitae), Labcorp
Classification: Uncertain significance for Genitopatellar syndrome. Last evaluated: 2024-03-09. Review status: criteria provided, single submitter. Criteria: Invitae Variant Classification Sherloc (09022015). Collection method: clinical testing. Allele origin: germline.
Comment: This sequence change replaces methionine, which is neutral and non-polar, with threonine, which is neutral and polar, at codon 968 of the KAT6B protein (p.Met968Thr). This variant is present in population databases (rs751844600, gnomAD 0.0009%). This variant has not been reported in the literature in individuals affected with KAT6B-related conditions. Advanced modeling of protein sequence and biophysical properties (such as structural, functional, and spatial information, amino acid conservation, physicochemical variation, residue mobility, and thermodynamic stability) performed at Invitae indicates that this missense variant is not expected to disrupt KAT6B protein function with a negative predictive value of 80%. In summary, the available evidence is currently insufficient to determine the role of this variant in disease. Therefore, it has been classified as a Variant of Uncertain Significance.

NM_012330.4(KAT6B):c.2903T>C (p.Met968Thr)

Gene: KAT6B (lysine acetyltransferase 6B; plus strand). Cytogenetic location: 10q22.2.
Variant type: single nucleotide variant.
Coding change: c.2903T>C on transcript NM_012330.4 (MANE Select); coding-DNA position 2903, T replaced by C.
Protein change: p.Met968Thr; replaces methionine 968 with threonine.
Molecular consequence: missense variant.
Genome position (GRCh38, 1-based): chr10:75,021,167, T>C. VCF-style: chr10-75021167-T-C. GRCh37 (hg19) VCF-style: chr10-76780925-T-C.
Other names: c.2354T>C, p.Met785Thr (NM_001256468.2, NM_001370138.1); c.2027T>C, p.Met676Thr (NM_001256469.2, NM_001370139.1, NM_001370140.1 and 2 more transcripts); c.1865T>C, p.Met622Thr (NM_001370132.1); c.1214T>C, p.Met405Thr (NM_001370133.1); c.818T>C, p.Met273Thr (NM_001370134.1); c.560T>C, p.Met187Thr (NM_001370135.1); c.2903T>C, p.Met968Thr (NM_001370136.1, NM_001370137.1); c.1838T>C, p.Met613Thr (NM_001370143.1, NM_001370144.1); short protein forms M273T, M622T, M676T, M405T, M785T, M968T, M613T, M187T.
Identifiers: ClinVar variation 2887666 (VCV002887666.3), dbSNP rs751844600, ClinGen allele CA5564683.